The following is an entry in ClinVar:

NM_001039141.3(TRIOBP):c.6455C>T (p.Thr2152Met)

Gene: TRIOBP (TRIO and F-actin binding protein; plus strand). Cytogenetic location: 22q13.1.
Variant type: single nucleotide variant.
Coding change: c.6455C>T on transcript NM_001039141.3 (MANE Select); coding-DNA position 6455, C replaced by T.
Protein change: p.Thr2152Met; replaces threonine 2152 with methionine.
Molecular consequence: missense variant.
Genome position (GRCh38, 1-based): chr22:37,765,800, C>T. VCF-style: chr22-37765800-C-T. GRCh37 (hg19) VCF-style: chr22-38161807-C-T.
Other names: c.1316C>T, p.Thr439Met (NM_007032.5); short protein forms T2152M, T439M.
Identifiers: ClinVar variation 165610 (VCV000165610.16), dbSNP rs534215753, ClinGen allele CA178359.

ClinVar aggregate classification (germline): Benign. Review status: criteria provided, multiple submitters, no conflicts (2 of 4 stars). 5 submissions from 5 submitters: Benign (4). 1 of the submissions does not count toward it. Last evaluated 2026-01-18.

Conditions:
TRIOBP-related disorder. Also called: TRIOBP-related condition.

Allele frequency attached by ClinVar (database versions not stated): gnomAD 0.00006 and 0.00161; TOPMed 0.00033; gnomAD exomes 0.00657; 1000 Genomes Project 30x 0.00921; 1000 Genomes Project 0.01058; ExAC 0.01540.
gnomAD v4.1: 4,457 of 1,581,080 alleles (0.28%); highest among the groups gnomAD compares: South Asian, 4.8%; 152 homozygotes.

Submissions (5):

Labcorp Genetics (formerly Invitae), Labcorp
Classification: Benign. Last evaluated: 2026-01-18. Review status: criteria provided, single submitter. Criteria: Invitae Variant Classification Sherloc (09022015). Collection method: clinical testing. Allele origin: germline.

GeneDx
Classification: Benign. Last evaluated: 2017-11-29. Review status: criteria provided, single submitter. Criteria: GeneDx Variant Classification (06012015). Collection method: clinical testing. Allele origin: germline. Affected: yes.
Comment: This variant is considered likely benign or benign based on one or more of the following criteria: it is a conservative change, it occurs at a poorly conserved position in the protein, it is predicted to be benign by multiple in silico algorithms, and/or has population frequency not consistent with disease.

Laboratory for Molecular Medicine, Mass General Brigham Personalized Medicine
Classification: Benign. Last evaluated: 2015-06-04. Review status: criteria provided, single submitter. Criteria: LMM Criteria. Collection method: clinical testing. Allele origin: germline. Observed: 8 variant alleles.
Comment: p.Thr2152Met in exon 18 of TRIOBP: This variant is not expected to have clinical significance because it has been identified in 6% (617/9750) of South Asian chr omosomes by the Exome Aggregation Consortium (ExAC, rg; dbSNP rs534215753).

Breakthrough Genomics
Classification: Benign. Review status: criteria provided, single submitter. Criteria: ACMG Guidelines, 2015. Collection method: not provided. Allele origin: germline. Inheritance: Autosomal recessive inheritance. Affected: yes.

PreventionGenetics, part of Exact Sciences
Classification: Benign for TRIOBP-related condition. Last evaluated: 2020-03-13. Review status: no assertion criteria provided. Collection method: clinical testing. Allele origin: germline. Not counted in ClinVar's aggregate classification.
Comment: This variant is classified as benign based on ACMG/AMP sequence variant interpretation guidelines (Richards et al. 2015 PMID: 25741868, with internal and published modifications).